The following is an entry in ClinVar:

NM_004628.5(XPC):c.420_423del (p.Glu141fs)

Gene: XPC (XPC complex subunit, DNA damage recognition and repair factor; minus strand). Cytogenetic location: 3p25.1.
Variant type: Deletion.
Coding change: c.420_423del on transcript NM_004628.5 (MANE Select); coding-DNA positions 420 to 423, 4 bases deleted (TGAG; older notation c.420_423delTGAG).
Protein change: p.Glu141fs; shifts the reading frame from glutamic acid 141.
Molecular consequence: frameshift variant. On other transcripts: non-coding transcript variant (1), intron variant (1).
Genome position (GRCh38, 1-based): chr3:14,168,370-14,168,373, CTCA deleted on the plus strand (TGAG on the coding strand, the reverse complement: XPC is on the minus strand); deleting any 4 consecutive bases within chr3:14,168,370-14,168,375 gives the same sequence; the c. name uses the placement nearest the transcript's 3' end. VCF-style (leftmost placement, unchanged base first): chr3-14168369-GCTCA-G. GRCh37 (hg19) VCF-style: chr3-14209869-GCTCA-G.
Other names: c.420_423del, p.Glu141fs (NM_001354727.2, NM_001354730.2); c.402_405del, p.Glu135fs (NM_001354729.2); c.-43-1120_-43-1117del (NM_001354726.2); c.420_423delTGAG (NM_004628.4); short protein forms E135fs, E141fs.
Identifiers: ClinVar variation 550638 (VCV000550638.17), dbSNP rs1330667099, ClinGen allele CA541301729.

ClinVar aggregate classification (germline): Pathogenic. Review status: criteria provided, multiple submitters, no conflicts (2 of 4 stars). 8 submissions from 8 submitters: Pathogenic (5). 3 of the submissions do not count toward it. Last evaluated 2025-12-11.

Conditions:
Xeroderma pigmentosum (XP). Identifiers: Orphanet 910, MedGen C0043346, MONDO:0019600.
XPC-related disorder. Also called: XPC-related condition.
Xeroderma pigmentosum, group C (XPC). Also called: Xeroderma pigmentosum, complementation group C; XPC-Related Xeroderma Pigmentosum; XERODERMA PIGMENTOSUM III; XP, GROUP C. Identifiers: Orphanet 910, MedGen C2752147, MONDO:0010211, OMIM 278720.

Submissions (8):

Labcorp Genetics (formerly Invitae), Labcorp
Classification: Pathogenic. Last evaluated: 2025-12-11. Review status: criteria provided, single submitter. Criteria: Invitae Variant Classification Sherloc (09022015). Collection method: clinical testing. Allele origin: germline.
Comment: This sequence change creates a premature translational stop signal (p.Glu141Leufs*6) in the XPC gene. It is expected to result in an absent or disrupted protein product. Loss-of-function variants in XPC are known to be pathogenic (PMID: 23173980, 25256075). This variant is present in population databases (no rsID available, gnomAD 0.0009%). This premature translational stop signal has been observed in individual(s) with xeroderma pigmentosum (PMID: 16081512, 27387384). In at least one individual the data is consistent with being in trans (on the opposite chromosome) from a pathogenic variant. This variant is also known as 4 del TGAG 525–8. ClinVar contains an entry for this variant (Variation ID: 550638). For these reasons, this variant has been classified as Pathogenic.

Fulgent Genetics
Classification: Pathogenic for Xeroderma pigmentosum, group C. Last evaluated: 2024-06-11. Review status: criteria provided, single submitter. Criteria: ACMG Guidelines, 2015. Collection method: clinical testing. Allele origin: germline.

Baylor Genetics
Classification: Pathogenic for Xeroderma pigmentosum, group C. Last evaluated: 2023-09-24. Review status: criteria provided, single submitter. Criteria: ACMG Guidelines, 2015. Collection method: clinical testing. Allele origin: unknown.

Blueprint Genetics
Classification: Pathogenic for XPC-related disorders. Last evaluated: 2022-06-20. Review status: criteria provided, single submitter. Criteria: ACMG Guidelines, 2015. Collection method: clinical testing. Allele origin: germline. Affected: yes. Observed: 4 variant alleles.

Women's Health and Genetics/Laboratory Corporation of America, LabCorp
Classification: Pathogenic for Xeroderma pigmentosum. Last evaluated: 2019-08-19. Review status: criteria provided, single submitter. Criteria: LabCorp Variant Classification Summary - May 2015. Collection method: clinical testing. Allele origin: germline.
Comment: Variant summary: XPC c.420_423delTGAG (p.Glu141LeufsX6) results in a premature termination codon, predicted to cause a truncation of the encoded protein or absence of the protein due to nonsense mediated decay, which are commonly known mechanisms for disease. Truncations downstream of this position have been classified as pathogenic by our laboratory (c.463C>T, p.Arg155X; c.566_567delAT, p.Tyr189fsX10; c.1103_1104delAA, p.Gln368fsX6). The variant allele was found at a frequency of 4e-06 in 249086 control chromosomes (gnomAD). The variant, c.420_423delTGAG, has been reported in the literature in individuals in (homozygous and compound heterozygous state) affected with Xeroderma pigmentosum (Khan_2006, Schubert_2016). These data indicate that the variant may be associated with disease. At least one publication, Schubert_2016, analyzed post-UV cell survival and qRT-PCR for this variant and reports variant effect results in 10%-<30% of normal activity. No clinical diagnostic laboratories have submitted clinical-significance assessments for this variant to ClinVar after 2014. Based on the evidence outlined above, the variant was classified as pathogenic.

Counsyl
Classification: Pathogenic for Xeroderma pigmentosum, group C. Last evaluated: 2017-02-08. Review status: no assertion criteria provided. Collection method: clinical testing. Allele origin: unknown. Not counted in ClinVar's aggregate classification.

Clinical Genetics DNA and cytogenetics Diagnostics Lab, Erasmus MC, Erasmus Medical Center
Classification: Pathogenic. Review status: no assertion criteria provided. Collection method: clinical testing. Allele origin: germline. Affected: yes. Study: VKGL Data-share Consensus. Not counted in ClinVar's aggregate classification.

Laboratory of Diagnostic Genome Analysis, Leiden University Medical Center (LUMC)
Classification: Pathogenic. Review status: no assertion criteria provided. Collection method: clinical testing. Allele origin: germline. Affected: yes. Study: VKGL Data-share Consensus. Not counted in ClinVar's aggregate classification.

Literature cited by the submitters: PubMed 23173980 (cited by Labcorp Genetics (formerly Invitae), Labcorp); PubMed 25256075 (cited by Labcorp Genetics (formerly Invitae), Labcorp); PubMed 16081512 (cited by 3 submitters); PubMed 27387384 (cited by 3 submitters); PubMed 24218596 (cited by Women's Health and Genetics/Laboratory Corporation of America, LabCorp); PubMed 17079196 (cited by Women's Health and Genetics/Laboratory Corporation of America, LabCorp); PubMed 17084680 (cited by Women's Health and Genetics/Laboratory Corporation of America, LabCorp); PubMed 20054342 (cited by Women's Health and Genetics/Laboratory Corporation of America, LabCorp).